The following is an entry in ClinVar:

NM_022739.4(SMURF2):c.52+5G>A

Genes: SMURF2 (SMAD specific E3 ubiquitin protein ligase 2; minus strand), LOC130061444 (ATAC-STARR-seq lymphoblastoid silent region 8845; plus strand). Cytogenetic location: 17q24.1.
Variant type: single nucleotide variant.
Coding change: c.52+5G>A on transcript NM_022739.4 (MANE Select); 5 bases into the intron after coding-DNA position 52, G replaced by A.
Molecular consequence: intron variant.
Genome position (GRCh38, 1-based): chr17:64,661,824, C>T on the plus strand (G>A on the coding strand, the complement: SMURF2 is on the minus strand). VCF-style: chr17-64661824-C-T. GRCh37 (hg19) VCF-style: chr17-62657942-C-T.
Identifiers: ClinVar variation 1173034 (VCV001173034.1), dbSNP rs1033898098, ClinGen allele CA293403332.

ClinVar aggregate classification (germline): Uncertain significance (1 of 4 stars; one submission).

gnomAD v4.1: 44 of 1,222,876 alleles (0.0036%); highest among the groups gnomAD compares: South Asian, 0.016%; no homozygotes.

Submission:

GeneDx
Classification: Uncertain significance. Last evaluated: 2021-06-18. Review status: criteria provided, single submitter. Criteria: GeneDx Variant Classification (06012015). Collection method: clinical testing. Allele origin: germline. Affected: yes.
Comment: Not observed at significant frequency in large population cohorts (Lek et al., 2016) In silico analysis, which includes splice predictors and evolutionary conservation, suggests this variant may impact gene splicing. In the absence of RNA/functional studies, the actual effect of this sequence change is unknown. Has not been previously published as pathogenic or benign to our knowledge Variants in candidate genes are classified as variants of uncertain significance in accordance with ACMG guidelines (Richards et al., 2015) This variant is associated with the following publications: (PMID: 27535533, 25741868)